The following is an entry in ClinVar:

ClinVar aggregate classification (germline): Pathogenic (1 of 4 stars; one submission).

Conditions:
Niemann-Pick disease, type C1. Also called: NIEMANN-PICK DISEASE, VARIANT TYPE C1; NIEMANN-PICK DISEASE WITHOUT SPHINGOMYELINASE DEFICIENCY; NIEMANN-PICK DISEASE, CHRONIC NEURONOPATHIC FORM; NEUROVISCERAL STORAGE DISEASE WITH VERTICAL SUPRANUCLEAR OPHTHALMOPLEGIA; NIEMANN-PICK DISEASE WITH CHOLESTEROL ESTERIFICATION BLOCK. Identifiers: Orphanet 646, MedGen C3179455, MONDO:0009757, OMIM 257220.

Submission:

Labcorp Genetics (formerly Invitae), Labcorp
Classification: Pathogenic for Niemann-Pick disease, type C1. Last evaluated: 2021-07-04. Review status: criteria provided, single submitter. Criteria: Invitae Variant Classification Sherloc (09022015). Collection method: clinical testing. Allele origin: germline.
Comment: This variant has not been reported in the literature in individuals affected with NPC1-related conditions. This variant is not present in population databases (ExAC no frequency). This sequence change creates a premature translational stop signal (p.Ala1108Argfs*13) in the NPC1 gene. It is expected to result in an absent or disrupted protein product. Loss-of-function variants in NPC1 are known to be pathogenic (PMID: 9211850). For these reasons, this variant has been classified as Pathogenic.

Literature cited by the submitters: PubMed 9211850.

NM_000271.5(NPC1):c.3320dup (p.Ala1108fs)

Gene: NPC1 (NPC intracellular cholesterol transporter 1; minus strand). Cytogenetic location: 18q11.2.
Variant type: Duplication.
Coding change: c.3320dup on transcript NM_000271.5 (MANE Select); coding-DNA position 3320, one base duplicated (G; older notation c.3320dupG).
Protein change: p.Ala1108fs; shifts the reading frame from alanine 1108.
Molecular consequence: frameshift variant.
Genome position (GRCh38, 1-based): chr18:23,535,626, C duplicated on the plus strand (G on the coding strand, the reverse complement: NPC1 is on the minus strand); the first of 3 consecutive C bases (chr18:23,535,626-23,535,628); duplicating any one gives the same sequence. VCF-style (leftmost placement, unchanged base first): chr18-23535625-G-GC. GRCh37 (hg19) VCF-style: chr18-21115589-G-GC.
Other names: short protein forms A1108fs.
Identifiers: ClinVar variation 1458540 (VCV001458540.6), dbSNP rs2145351287, ClinGen allele CA2573155192.